The following is an entry in ClinVar:

ClinVar aggregate classification (germline): Uncertain significance. Review status: criteria provided, multiple submitters, no conflicts (2 of 4 stars). 6 submissions from 6 submitters: Uncertain significance (6). Last evaluated 2024-11-25.

Conditions:
Congenital myotonia, autosomal dominant form (THD). Also called: THOMSEN DISEASE; Myotonia congenita autosomal dominant. Identifiers: Orphanet 614, MedGen C2936781, MONDO:0008055, OMIM 160800.
Congenital myotonia, autosomal recessive form. Also called: Becker Generalized Myotonia; myotonia congenita, autosomal recessive; BECKER DISEASE. Identifiers: Orphanet 614, MedGen C0751360, MONDO:0009715, OMIM 255700.
Inborn genetic diseases. Identifiers: MedGen C0950123, MeSH D030342.
Batten-Turner congenital myopathy. Also called: Myotonia congenita; Congenital myotonia. Identifiers: Orphanet 206973, MedGen C0027127, MONDO:0100468, OMIM 255300.

Allele frequency attached by ClinVar (database versions not stated): TOPMed 0.00002; gnomAD exomes 0.00003 and 0.00004; ExAC 0.00004.
gnomAD v4.1: 49 of 1,613,028 alleles (0.003%); highest among the groups gnomAD compares: East Asian, 0.0045%; no homozygotes.

Submissions (6):

Ambry Genetics
Classification: Uncertain significance for Inborn genetic diseases. Last evaluated: 2024-11-25. Review status: criteria provided, single submitter. Criteria: Ambry Variant Classification Scheme 2023. Collection method: clinical testing. Allele origin: germline.

GeneDx
Classification: Uncertain significance. Last evaluated: 2024-05-22. Review status: criteria provided, single submitter. Criteria: GeneDx Variant Classification Process June 2021. Collection method: clinical testing. Allele origin: germline. Affected: yes.
Comment: In silico analysis indicates that this missense variant does not alter protein structure/function; Has not been previously published as pathogenic or benign to our knowledge; Not observed at significant frequency in large population cohorts (gnomAD)

Labcorp Genetics (formerly Invitae), Labcorp
Classification: Uncertain significance for Congenital myotonia, autosomal recessive form; Congenital myotonia, autosomal dominant form. Last evaluated: 2024-03-16. Review status: criteria provided, single submitter. Criteria: Invitae Variant Classification Sherloc (09022015). Collection method: clinical testing. Allele origin: germline.
Comment: This sequence change replaces arginine, which is basic and polar, with cysteine, which is neutral and slightly polar, at codon 53 of the CLCN1 protein (p.Arg53Cys). This variant is present in population databases (rs767366093, gnomAD 0.008%). This variant has not been reported in the literature in individuals affected with CLCN1-related conditions. ClinVar contains an entry for this variant (Variation ID: 908062). Advanced modeling of protein sequence and biophysical properties (such as structural, functional, and spatial information, amino acid conservation, physicochemical variation, residue mobility, and thermodynamic stability) performed at Invitae indicates that this missense variant is not expected to disrupt CLCN1 protein function with a negative predictive value of 95%. In summary, the available evidence is currently insufficient to determine the role of this variant in disease. Therefore, it has been classified as a Variant of Uncertain Significance.

Revvity Omics, Revvity
Classification: Uncertain significance. Last evaluated: 2024-02-29. Review status: criteria provided, single submitter. Criteria: ACMG Guidelines, 2015. Collection method: clinical testing. Allele origin: germline.

Centre for Mendelian Genomics, University Medical Centre Ljubljana
Classification: Uncertain significance for Congenital myotonia, autosomal recessive form. Last evaluated: 2020-03-14. Review status: criteria provided, single submitter. Criteria: ACMG Guidelines, 2015. Collection method: clinical testing. Allele origin: unknown. Affected: yes.
Comment: This variant was classified as: Uncertain significance. The available evidence on this variant's pathogenicity is insufficient or conflicting. The following ACMG criteria were applied in classifying this variant: PM2,BP4.

Illumina Laboratory Services, Illumina
Classification: Uncertain significance for Myotonia congenita. Last evaluated: 2018-01-13. Review status: criteria provided, single submitter. Criteria: ICSL Variant Classification Criteria 13 December 2019. Collection method: clinical testing. Allele origin: germline.

NM_000083.3(CLCN1):c.157C>T (p.Arg53Cys)

Gene: CLCN1 (chloride voltage-gated channel 1; plus strand). Cytogenetic location: 7q34.
Variant type: single nucleotide variant.
Coding change: c.157C>T on transcript NM_000083.3 (MANE Select); coding-DNA position 157, C replaced by T.
Protein change: p.Arg53Cys; replaces arginine 53 with cysteine.
Molecular consequence: missense variant. On other transcripts: non-coding transcript variant (1).
Genome position (GRCh38, 1-based): chr7:143,316,369, C>T. VCF-style: chr7-143316369-C-T. GRCh37 (hg19) VCF-style: chr7-143013462-C-T.
Other names: short protein forms R53C.
Identifiers: ClinVar variation 908062 (VCV000908062.13), dbSNP rs767366093, ClinGen allele CA4536837.